The following is an entry in ClinVar:

ClinVar aggregate classification (germline): Likely pathogenic (1 of 4 stars; one submission).

Conditions:
Fucosidosis. Also called: ALPHA-L-FUCOSIDASE DEFICIENCY. Identifiers: Orphanet 349, MedGen C0016788, MONDO:0009254, OMIM 230000.

Submission:

Labcorp Genetics (formerly Invitae), Labcorp
Classification: Likely pathogenic for Fucosidosis. Last evaluated: 2024-01-31. Review status: criteria provided, single submitter. Criteria: Invitae Variant Classification Sherloc (09022015). Collection method: clinical testing. Allele origin: germline.
Comment: This sequence change affects a donor splice site in intron 4 of the FUCA1 gene. It is expected to disrupt RNA splicing. Variants that disrupt the donor or acceptor splice site typically lead to a loss of protein function (PMID: 16199547), and loss-of-function variants in FUCA1 are known to be pathogenic (PMID: 10094192). This variant is not present in population databases (gnomAD no frequency). This variant has not been reported in the literature in individuals affected with FUCA1-related conditions. Algorithms developed to predict the effect of sequence changes on RNA splicing suggest that this variant may disrupt the consensus splice site. In summary, the currently available evidence indicates that the variant is pathogenic, but additional data are needed to prove that conclusively. Therefore, this variant has been classified as Likely Pathogenic.

Literature cited by the submitters: PubMed 16199547; PubMed 10094192.

NM_000147.5(FUCA1):c.768+2T>C

Gene: FUCA1 (alpha-L-fucosidase 1; minus strand). Cytogenetic location: 1p36.11.
Variant type: single nucleotide variant.
Coding change: c.768+2T>C on transcript NM_000147.5 (MANE Select); the canonical splice donor site of the intron after coding-DNA position 768, T replaced by C.
Molecular consequence: splice donor variant.
Genome position (GRCh38, 1-based): chr1:23,859,796, A>G on the plus strand (T>C on the coding strand, the complement: FUCA1 is on the minus strand). VCF-style: chr1-23859796-A-G. GRCh37 (hg19) VCF-style: chr1-24186286-A-G.
Identifiers: ClinVar variation 3692722 (VCV003692722.2).